The following is an entry in ClinVar:

ClinVar aggregate classification (germline): Uncertain significance. Review status: criteria provided, multiple submitters, no conflicts (2 of 4 stars). 2 submissions from 2 submitters: Uncertain significance (2). Last evaluated 2025-06-12.

Conditions:
Inborn genetic diseases. Identifiers: MedGen C0950123, MeSH D030342.

Allele frequency attached by ClinVar (database versions not stated): gnomAD exomes 0.00001; ExAC 0.00003; gnomAD 0.00005; TOPMed 0.00006; ESP Exome Variant Server 0.00015.
gnomAD v4.1: 23 of 1,613,968 alleles (0.0014%); highest among the groups gnomAD compares: African/African-American, 0.0093%; no homozygotes.

Submissions (2):

Labcorp Genetics (formerly Invitae), Labcorp
Classification: Uncertain significance. Last evaluated: 2025-06-12. Review status: criteria provided, single submitter. Criteria: Invitae Variant Classification Sherloc (09022015). Collection method: clinical testing. Allele origin: germline.
Comment: This sequence change replaces threonine, which is neutral and polar, with methionine, which is neutral and non-polar, at codon 1090 of the MYO1E protein (p.Thr1090Met). This variant is present in population databases (rs145345597, gnomAD 0.008%). This variant has not been reported in the literature in individuals affected with MYO1E-related conditions. ClinVar contains an entry for this variant (Variation ID: 2146915). An algorithm developed to predict the effect of missense changes on protein structure and function (PolyPhen-2) suggests that this variant is likely to be tolerated. In summary, the available evidence is currently insufficient to determine the role of this variant in disease. Therefore, it has been classified as a Variant of Uncertain Significance.

Ambry Genetics
Classification: Uncertain significance for Inborn genetic diseases. Last evaluated: 2021-08-09. Review status: criteria provided, single submitter. Criteria: Ambry Variant Classification Scheme 2023. Collection method: clinical testing. Allele origin: germline.

NM_004998.4(MYO1E):c.3269C>T (p.Thr1090Met)

Gene: MYO1E (myosin IE; minus strand). Cytogenetic location: 15q22.2.
Variant type: single nucleotide variant.
Coding change: c.3269C>T on transcript NM_004998.4 (MANE Select); coding-DNA position 3269, C replaced by T.
Protein change: p.Thr1090Met; replaces threonine 1090 with methionine.
Molecular consequence: missense variant.
Genome position (GRCh38, 1-based): chr15:59,137,438, G>A on the plus strand (C>T on the coding strand, the complement: MYO1E is on the minus strand). VCF-style: chr15-59137438-G-A. GRCh37 (hg19) VCF-style: chr15-59429637-G-A.
Other names: c.3269C>T (NM_004998.2); short protein forms T1090M.
Identifiers: ClinVar variation 2146915 (VCV002146915.5), dbSNP rs145345597, ClinGen allele CA7588951.